The following is an entry in ClinVar:

ClinVar aggregate classification (germline): Pathogenic/Likely pathogenic. Review status: criteria provided, multiple submitters, no conflicts (2 of 4 stars). 6 submissions from 6 submitters: Pathogenic (5); Likely pathogenic (1). Last evaluated 2025-10-20.

Conditions:
Isovaleryl-CoA dehydrogenase deficiency (IVA). Also called: Classic Isovaleric Acidemia; ISOVALERIC ACID CoA DEHYDROGENASE DEFICIENCY; Isovaleric acidemia; IVD DEFICIENCY. Identifiers: Orphanet 33, MedGen C0268575, MONDO:0009475, OMIM 243500.

Allele frequency attached by ClinVar (database versions not stated): TOPMed below 0.00001.
gnomAD v4.1: 62 of 1,614,060 alleles (0.0038%); highest among the groups gnomAD compares: Non-Finnish European, 0.0048%; no homozygotes.

Submissions (6):

Natera, Inc.
Classification: Pathogenic for Isovaleryl-coa dehydrogenase deficiency. Last evaluated: 2025-10-20. Review status: criteria provided, single submitter. Criteria: Natera Variant Classification Schema (03/2026). Collection method: clinical testing. Allele origin: germline.
Comment: The c.1192C>T variant in IVD is a nonsense variant predicted to introduce a stop codon at amino acid 398. This variant is expected to result in nonsense mediated decay, truncation, or a dysfunctional protein product. This variant is rare in the general population with a frequency below the threshold expected for the associated phenotype(s). This variant has been observed in one or more individuals affected with the associated recessive disease, as either homozygous or compound heterozygous with a second variant (PMID: 31707166, 40459186). Given the available evidence, this variant is classified as Pathogenic.

Labcorp Genetics (formerly Invitae), Labcorp
Classification: Pathogenic for Isovaleryl-CoA dehydrogenase deficiency. Last evaluated: 2025-04-07. Review status: criteria provided, single submitter. Criteria: Invitae Variant Classification Sherloc (09022015). Collection method: clinical testing. Allele origin: germline.
Comment: This sequence change creates a premature translational stop signal (p.Arg398*) in the IVD gene. While this is not anticipated to result in nonsense mediated decay, it is expected to disrupt the last 29 amino acid(s) of the IVD protein. This variant is present in population databases (rs398123681, gnomAD 0.006%). This premature translational stop signal has been observed in individuals with isovaleric acidemia (PMID: 31707166; internal data). ClinVar contains an entry for this variant (Variation ID: 571005). Algorithms developed to predict the effect of sequence changes on RNA splicing suggest that this variant may disrupt the consensus splice site. This variant disrupts a region of the IVD protein in which other variant(s) (p.Ile405) have been determined to be pathogenic (PMID: 27904153; internal data). This suggests that this is a clinically significant region of the protein, and that variants that disrupt it are likely to be disease-causing. For these reasons, this variant has been classified as Pathogenic.

Baylor Genetics
Classification: Pathogenic for Isovaleryl-CoA dehydrogenase deficiency. Last evaluated: 2024-03-22. Review status: criteria provided, single submitter. Criteria: ACMG Guidelines, 2015. Collection method: clinical testing. Allele origin: unknown.

Women's Health and Genetics/Laboratory Corporation of America, LabCorp
Classification: Pathogenic for Isovaleryl-CoA dehydrogenase deficiency. Last evaluated: 2023-04-11. Review status: criteria provided, single submitter. Criteria: LabCorp Variant Classification Summary - May 2015. Collection method: clinical testing. Allele origin: germline.
Comment: Variant summary: IVD c.1183C>T (p.Arg395X) results in a premature termination codon, predicted to cause a truncation of the encoded protein or absence of the protein due to nonsense mediated decay, which are commonly known mechanisms for disease. Truncations downstream of this position have been classified as pathogenic by our laboratory. The variant allele was found at a frequency of 1.2e-05 in 251400 control chromosomes. c.1183C>T has been reported in the literature in individuals affected with Isovaleryl-CoA Dehydrogenase Deficiency in the homozyous state (Fisher_2018, Ibarra-Gonzalez_2020). These data indicate that the variant is likely to be associated with disease. To our knowledge, no experimental evidence demonstrating an impact on protein function has been reported. Three clinical diagnostic laboratories have submitted clinical-significance assessments for this variant to ClinVar after 2014 without evidence for independent evaluation. All laboratories classified the variant as pathogenic/likely pathogenic. Based on the evidence outlined above, the variant was classified as pathogenic.

Revvity Omics, Revvity
Classification: Pathogenic for Isovaleryl-CoA dehydrogenase deficiency. Last evaluated: 2022-11-13. Review status: criteria provided, single submitter. Criteria: ACMG Guidelines, 2015. Collection method: clinical testing. Allele origin: germline.

Knight Diagnostic Laboratories, Oregon Health and Sciences University
Classification: Likely pathogenic for Isovaleric acidemia. Last evaluated: 2018-12-17. Review status: criteria provided, single submitter. Criteria: ACMG Guidelines, 2015. Collection method: clinical testing. Allele origin: germline. Observed: 1 variant allele.

Literature cited by the submitters: PubMed 31707166 (cited by 3 submitters); PubMed 40459186 (cited by Natera, Inc.); PubMed 27904153 (cited by Labcorp Genetics (formerly Invitae), Labcorp); PubMed 32778825 (cited by Women's Health and Genetics/Laboratory Corporation of America, LabCorp); PubMed 31589614 (cited by Women's Health and Genetics/Laboratory Corporation of America, LabCorp); PubMed 29402417 (cited by Women's Health and Genetics/Laboratory Corporation of America, LabCorp).

NM_002225.5(IVD):c.1183C>T (p.Arg395Ter)

Gene: IVD (isovaleryl-CoA dehydrogenase; plus strand). Cytogenetic location: 15q15.1.
Variant type: single nucleotide variant.
Coding change: c.1183C>T on transcript NM_002225.5 (MANE Select); coding-DNA position 1183, C replaced by T.
Protein change: p.Arg395Ter; replaces arginine 395 with a stop codon.
Molecular consequence: nonsense. On other transcripts: intron variant (3).
Genome position (GRCh38, 1-based): chr15:40,418,174, C>T. VCF-style: chr15-40418174-C-T. GRCh37 (hg19) VCF-style: chr15-40710373-C-T.
Other names: c.1093C>T, p.Arg365Ter (NM_001159508.3); c.1135C>T, p.Arg379Ter (NM_001354597.3); c.1270C>T, p.Arg424Ter (NM_001354599.3); c.1225+1812C>T (NM_001354600.3); c.1138+1812C>T (NM_001354598.3, NM_001354601.3); short protein forms R395*, R379*, R424*, R365*.
Identifiers: ClinVar variation 571005 (VCV000571005.18), dbSNP rs398123681, ClinGen allele CA7480914.